The following is an entry in ClinVar:

NM_001303256.3(MORC2):c.2747+4del

Gene: MORC2 (MORC family CW-type zinc finger 2; minus strand). Cytogenetic location: 22q12.2.
Variant type: Deletion.
Coding change: c.2747+4del on transcript NM_001303256.3 (MANE Select); 4 bases into the intron after coding-DNA position 2747, one base deleted (C; older notation c.2747+4delC).
Molecular consequence: intron variant.
Genome position (GRCh38, 1-based): chr22:30,932,541, G deleted on the plus strand (C on the coding strand, the reverse complement: MORC2 is on the minus strand). VCF-style (leftmost placement, unchanged base first): chr22-30932540-TG-T. GRCh37 (hg19) VCF-style: chr22-31328527-TG-T.
Other names: c.2747+4del (NM_001303257.2); c.2561+4del (NM_014941.3).
Identifiers: ClinVar variation 2167225 (VCV002167225.4), dbSNP rs1216992293, ClinGen allele CA752381595.

ClinVar aggregate classification (germline): Uncertain significance (1 of 4 stars; one submission).

Conditions:
Charcot-Marie-Tooth disease axonal type 2Z. Also called: CHARCOT-MARIE-TOOTH DISEASE, AXONAL, AUTOSOMAL DOMINANT, TYPE 2Z; CHARCOT-MARIE-TOOTH NEUROPATHY, TYPE 2Z. Identifiers: Orphanet 466768, MedGen C5569025, MONDO:0014736, OMIM 616688.

Allele frequency attached by ClinVar (database versions not stated): gnomAD exomes below 0.00001; gnomAD 0.00001; TOPMed 0.00001.

Submission:

Labcorp Genetics (formerly Invitae), Labcorp
Classification: Uncertain significance for Charcot-Marie-Tooth disease axonal type 2Z. Last evaluated: 2022-05-07. Review status: criteria provided, single submitter. Criteria: Invitae Variant Classification Sherloc (09022015). Collection method: clinical testing. Allele origin: germline.
Comment: In summary, the available evidence is currently insufficient to determine the role of this variant in disease. Therefore, it has been classified as a Variant of Uncertain Significance. Variants that disrupt the consensus splice site are a relatively common cause of aberrant splicing (PMID: 17576681, 9536098). Algorithms developed to predict the effect of sequence changes on RNA splicing suggest that this variant is not likely to affect RNA splicing. This variant has not been reported in the literature in individuals affected with MORC2-related conditions. This variant is not present in population databases (gnomAD no frequency). This sequence change falls in intron 23 of the MORC2 gene. It does not directly change the encoded amino acid sequence of the MORC2 protein. It affects a nucleotide within the consensus splice site.

Literature cited by the submitters: PubMed 17576681; PubMed 9536098.